The following is an entry in ClinVar:

NM_000059.4(BRCA2):c.1982G>A (p.Ser661Asn)

Gene: BRCA2 (BRCA2 DNA repair associated; plus strand). Cytogenetic location: 13q13.1.
Variant type: single nucleotide variant.
Coding change: c.1982G>A on transcript NM_000059.4 (MANE Select); coding-DNA position 1982, G replaced by A.
Protein change: p.Ser661Asn; replaces serine 661 with asparagine.
Molecular consequence: missense variant. On other transcripts: non-coding transcript variant (1), intron variant (2).
Genome position (GRCh38, 1-based): chr13:32,336,337, G>A. VCF-style: chr13-32336337-G-A. GRCh37 (hg19) VCF-style: chr13-32910474-G-A.
Other names: c.1982G>A, p.Ser661Asn (NM_001406719.1, NM_001406720.1); c.1909+2950G>A (NM_001406721.1); c.424+5307G>A (NM_001406722.1); short protein forms S661N.
Identifiers: ClinVar variation 2860055 (VCV002860055.4), dbSNP rs2137482339, ClinGen allele CA387768601.

ClinVar aggregate classification (germline): Conflicting classifications of pathogenicity. Review status: criteria provided, conflicting classifications (1 of 4 stars). 2 submissions from 2 submitters: Uncertain significance (1); Likely benign (1). Last evaluated 2026-03-30.

Conditions:
Hereditary breast ovarian cancer syndrome. Also called: Breast and ovarian cancer; Hereditary breast and ovarian cancer syndrome (HBOC); BRCA1- and BRCA2-Associated Hereditary Breast and Ovarian Cancer; Hereditary breast and ovarian cancer syndrome; Hereditary breast and ovarian cancer; Hereditary breast and/or ovarian cancer syndrome. Identifiers: Orphanet 145, MedGen C0677776, MeSH D061325, MONDO:0003582. Disease mechanism: loss of function.
Hereditary cancer-predisposing syndrome. Also called: Hereditary neoplastic syndrome; Neoplastic Syndromes, Hereditary; Tumor predisposition; Hereditary Cancer Syndrome. Identifiers: Orphanet 140162, MedGen C0027672, MeSH D009386, MONDO:0015356.

Submissions (2):

Ambry Genetics
Classification: Likely benign for Hereditary cancer-predisposing syndrome. Last evaluated: 2026-03-30. Review status: criteria provided, single submitter. Criteria: Ambry Variant Classification Scheme 2023. Collection method: clinical testing. Allele origin: germline.

Labcorp Genetics (formerly Invitae), Labcorp
Classification: Uncertain significance for Hereditary breast ovarian cancer syndrome. Last evaluated: 2023-11-24. Review status: criteria provided, single submitter. Criteria: Invitae Variant Classification Sherloc (09022015). Collection method: clinical testing. Allele origin: germline.
Comment: This sequence change replaces serine, which is neutral and polar, with asparagine, which is neutral and polar, at codon 661 of the BRCA2 protein (p.Ser661Asn). This variant is not present in population databases (gnomAD no frequency). This variant has not been reported in the literature in individuals affected with BRCA2-related conditions. Advanced modeling of protein sequence and biophysical properties (such as structural, functional, and spatial information, amino acid conservation, physicochemical variation, residue mobility, and thermodynamic stability) performed at Invitae indicates that this missense variant is not expected to disrupt BRCA2 protein function with a negative predictive value of 95%. In summary, the available evidence is currently insufficient to determine the role of this variant in disease. Therefore, it has been classified as a Variant of Uncertain Significance.